The following is an entry in ClinVar:

NM_000287.4(PEX6):c.1057G>T (p.Glu353Ter)

Gene: PEX6 (peroxisomal biogenesis factor 6; minus strand). Cytogenetic location: 6p21.1.
Variant type: single nucleotide variant.
Coding change: c.1057G>T on transcript NM_000287.4 (MANE Select); coding-DNA position 1057, G replaced by T.
Protein change: p.Glu353Ter; replaces glutamic acid 353 with a stop codon.
Molecular consequence: nonsense. On other transcripts: non-coding transcript variant (1).
Genome position (GRCh38, 1-based): chr6:42,974,076, C>A on the plus strand (G>T on the coding strand, the complement: PEX6 is on the minus strand). VCF-style: chr6-42974076-C-A. GRCh37 (hg19) VCF-style: chr6-42941814-C-A.
Other names: c.793G>T, p.Glu265Ter (NM_001316313.2); short protein forms E265*, E353*.
Identifiers: ClinVar variation 5012526 (VCV005012526.1).

ClinVar aggregate classification (germline): Pathogenic (1 of 4 stars; one submission).

Conditions:
Peroxisome biogenesis disorder. Identifiers: Orphanet 79189, MedGen C1832200, MONDO:0019234. Disease mechanism: loss of function.

gnomAD v4.1: 2 of 1,613,622 alleles (0.00012%); highest among the groups gnomAD compares: South Asian, 0.0011%; no homozygotes.

Submission:

Myriad Genetics, Inc.
Classification: Pathogenic for Peroxisome biogenesis disorder. Last evaluated: 2023-12-02. Review status: criteria provided, single submitter. Criteria: Myriad Autosomal Dominant, Autosomal Recessive and X-Linked Classification Criteria (2023). Collection method: clinical testing. Allele origin: unknown.
Comment: NM_000287.3(PEX6):c.1057G>T(E353*) is expected to be pathogenic in the context of peroxisome biogenesis disorder type 4. This variant is predicted to lead to an abnormal or absent protein product due to the creation of a premature termination codon in PEX6, a gene where loss-of-function variants are known to be pathogenic. Please note: this variant was assessed in the context of healthy population screening.